The following is an entry in ClinVar:

ClinVar aggregate classification (germline): Uncertain significance (1 of 4 stars; one submission).

Conditions:
Hereditary cancer-predisposing syndrome. Also called: Neoplastic Syndromes, Hereditary; Tumor predisposition; Hereditary neoplastic syndrome; Hereditary Cancer Syndrome. Identifiers: Orphanet 140162, MedGen C0027672, MeSH D009386, MONDO:0015356.

Submission:

Ambry Genetics
Classification: Uncertain significance for Hereditary cancer-predisposing syndrome. Last evaluated: 2026-07-06. Review status: criteria provided, single submitter. Criteria: Ambry Variant Classification Scheme 2023. Collection method: clinical testing. Allele origin: germline.
Comment: The p.R251S variant (also known as c.753G>C), located in coding exon 7 of the SDHB gene, results from a G to C substitution at nucleotide position 753. The arginine at codon 251 is replaced by serine, an amino acid with dissimilar properties. This amino acid position is conserved. In addition, the in silico prediction for this alteration is inconclusive. Based on the available evidence, the clinical significance of this variant remains unclear.

NM_003000.3(SDHB):c.753G>C (p.Arg251Ser)

Gene: SDHB (succinate dehydrogenase complex iron sulfur subunit B; minus strand). Cytogenetic location: 1p36.13.
Variant type: single nucleotide variant.
Coding change: c.753G>C on transcript NM_003000.3 (MANE Select); coding-DNA position 753, G replaced by C.
Protein change: p.Arg251Ser; replaces arginine 251 with serine.
Molecular consequence: missense variant.
Genome position (GRCh38, 1-based): chr1:17,022,620, C>G on the plus strand (G>C on the coding strand, the complement: SDHB is on the minus strand). VCF-style: chr1-17022620-C-G. GRCh37 (hg19) VCF-style: chr1-17349115-C-G.
Other names: c.699G>C, p.Arg233Ser (NM_001407361.1); short protein forms R233S, R251S.
Identifiers: ClinVar variation 5029267 (VCV005029267.1).
Genomic context (GRCh38, chr1:17,022,620, plus strand): 5'-TGGCGTGTCAGCTCTGAGGCAGAGCTGAGGGTCACCAGCCCCACGTACCTTAGGACAGGT[C>G]CTTGTGCAGTTCATGATGGTGTGGCAGCGGTATAGAGAGAATGGGTCCTGCAGCTTGGCC-3'
Protein context (NP_002991.2, residues 241-261): YRCHTIMNCT[Arg251Ser]TCPKGLNPGK